The following is an entry in ClinVar:

NM_000182.5(HADHA):c.870G>A (p.Val290=)

Gene: HADHA (hydroxyacyl-CoA dehydrogenase trifunctional multienzyme complex subunit alpha; minus strand). Cytogenetic location: 2p23.3.
Variant type: single nucleotide variant.
Coding change: c.870G>A on transcript NM_000182.5 (MANE Select); coding-DNA position 870, G replaced by A.
Protein change: p.Val290=; no amino-acid change (valine 290 retained).
Molecular consequence: synonymous variant.
Genome position (GRCh38, 1-based): chr2:26,214,491, C>T on the plus strand (G>A on the coding strand, the complement: HADHA is on the minus strand). VCF-style: chr2-26214491-C-T. GRCh37 (hg19) VCF-style: chr2-26437360-C-T.
Identifiers: ClinVar variation 388882 (VCV000388882.9), dbSNP rs771022089, ClinGen allele CA1559760.
Genomic context (GRCh38, chr2:26,214,491, plus strand): 5'-GGTAAGACTCACATCAATTATTTTCAGAGGTGCAGGATAAAGGCCTTTAGTCTGCTTTCG[C>T]ACTTTTTCTTCCACTTTTTTGTAAACCTGTTGCCTGACAAATGGAATAGTCATGGCATAC-3'
Protein context (NP_000173.2, residues 280-300): QQVYKKVEEK[Val290=]RKQTKGLYPA

ClinVar aggregate classification (germline): Likely benign. Review status: criteria provided, multiple submitters, no conflicts (2 of 4 stars). 3 submissions from 3 submitters: Likely benign (3). Last evaluated 2025-11-13.

Conditions:
Long chain 3-hydroxyacyl-CoA dehydrogenase deficiency. Also called: LCHAD Deficiency; Deficiency of long-chain 3-hydroxyacyl-coenzyme A dehydrogenase. Identifiers: Orphanet 5, MedGen C3711645, MONDO:0012173, OMIM 609016.
Mitochondrial trifunctional protein deficiency. Identifiers: Orphanet 746, MedGen C1969443, MONDO:0012172.

Allele frequency attached by ClinVar (database versions not stated): TOPMed 0.00003.
gnomAD v4.1: 25 of 1,607,146 alleles (0.0016%); highest among the groups gnomAD compares: Non-Finnish European, 0.002%; no homozygotes.

Submissions (3):

Labcorp Genetics (formerly Invitae), Labcorp
Classification: Likely benign for Mitochondrial trifunctional protein deficiency; Long chain 3-hydroxyacyl-CoA dehydrogenase deficiency. Last evaluated: 2025-11-13. Review status: criteria provided, single submitter. Criteria: Invitae Variant Classification Sherloc (09022015). Collection method: clinical testing. Allele origin: germline.

Blueprint Genetics
Classification: Likely benign. Last evaluated: 2023-12-29. Review status: criteria provided, single submitter. Criteria: ACMG Guidelines, 2015. Collection method: clinical testing. Allele origin: germline.

GeneDx
Classification: Likely benign. Last evaluated: 2016-09-07. Review status: criteria provided, single submitter. Criteria: GeneDx Variant Classification (06012015). Collection method: clinical testing. Allele origin: germline. Affected: yes.
Comment: This variant is considered likely benign or benign based on one or more of the following criteria: it is a conservative change, it occurs at a poorly conserved position in the protein, it is predicted to be benign by multiple in silico algorithms, and/or has population frequency not consistent with disease.